The following is an entry in ClinVar:

NM_004369.4(COL6A3):c.8291G>A (p.Cys2764Tyr)

Gene: COL6A3 (collagen type VI alpha 3 chain; minus strand). Cytogenetic location: 2q37.3.
Variant type: single nucleotide variant.
Coding change: c.8291G>A on transcript NM_004369.4 (MANE Select); coding-DNA position 8291, G replaced by A.
Protein change: p.Cys2764Tyr; replaces cysteine 2764 with tyrosine.
Molecular consequence: missense variant.
Genome position (GRCh38, 1-based): chr2:237,340,625, C>T on the plus strand (G>A on the coding strand, the complement: COL6A3 is on the minus strand). VCF-style: chr2-237340625-C-T. GRCh37 (hg19) VCF-style: chr2-238249268-C-T.
Other names: c.6470G>A, p.Cys2157Tyr (NM_057166.5); c.7673G>A, p.Cys2558Tyr (NM_057167.4); short protein forms C2157Y, C2558Y, C2764Y.
Identifiers: ClinVar variation 2136094 (VCV002136094.1), dbSNP rs1294454631, ClinGen allele CA351195463.

ClinVar aggregate classification (germline): Uncertain significance (1 of 4 stars; one submission).

Allele frequency attached by ClinVar (database versions not stated): gnomAD exomes below 0.00001.
gnomAD v4.1: 2 of 1,614,206 alleles (0.00012%); highest among the groups gnomAD compares: Admixed American, 0.0017%; no homozygotes.

Submission:

GeneDx
Classification: Uncertain significance. Last evaluated: 2022-07-21. Review status: criteria provided, single submitter. Criteria: GeneDx Variant Classification Process June 2021. Collection method: clinical testing. Allele origin: germline. Affected: yes.
Comment: Not observed at significant frequency in large population cohorts (gnomAD); In silico analysis supports that this missense variant has a deleterious effect on protein structure/function; Has not been previously published as pathogenic or benign to our knowledge